The following is an entry in ClinVar:

NM_024306.5(FA2H):c.791C>T (p.Pro264Leu)

Gene: FA2H (fatty acid 2-hydroxylase; minus strand). Cytogenetic location: 16q23.1.
Variant type: single nucleotide variant.
Coding change: c.791C>T on transcript NM_024306.5 (MANE Select); coding-DNA position 791, C replaced by T.
Protein change: p.Pro264Leu; replaces proline 264 with leucine.
Molecular consequence: missense variant.
Genome position (GRCh38, 1-based): chr16:74,716,595, G>A on the plus strand (C>T on the coding strand, the complement: FA2H is on the minus strand). VCF-style: chr16-74716595-G-A. GRCh37 (hg19) VCF-style: chr16-74750493-G-A.
Other names: short protein forms P264L.
Identifiers: ClinVar variation 2848315 (VCV002848315.3), dbSNP rs762169178, ClinGen allele CA8170382.

ClinVar aggregate classification (germline): Uncertain significance (1 of 4 stars; one submission).

Conditions:
Spastic paraplegia. Identifiers: MedGen C0037772, HP:0001258.

Allele frequency attached by ClinVar (database versions not stated): gnomAD 0.00001; gnomAD exomes 0.00002; TOPMed 0.00002.
gnomAD v4.1: 30 of 1,557,044 alleles (0.0019%); highest among the groups gnomAD compares: African/African-American, 0.0041%; no homozygotes.

Submission:

Labcorp Genetics (formerly Invitae), Labcorp
Classification: Uncertain significance for Spastic paraplegia. Last evaluated: 2023-07-29. Review status: criteria provided, single submitter. Criteria: Invitae Variant Classification Sherloc (09022015). Collection method: clinical testing. Allele origin: germline.
Comment: In summary, the available evidence is currently insufficient to determine the role of this variant in disease. Therefore, it has been classified as a Variant of Uncertain Significance. Advanced modeling of protein sequence and biophysical properties (such as structural, functional, and spatial information, amino acid conservation, physicochemical variation, residue mobility, and thermodynamic stability) performed at Invitae indicates that this missense variant is expected to disrupt FA2H protein function. This variant has not been reported in the literature in individuals affected with FA2H-related conditions. This variant is present in population databases (rs762169178, gnomAD 0.002%). This sequence change replaces proline, which is neutral and non-polar, with leucine, which is neutral and non-polar, at codon 264 of the FA2H protein (p.Pro264Leu).